The following is an entry in ClinVar:

ClinVar aggregate classification (germline): Uncertain significance (1 of 4 stars; one submission).

gnomAD v4.1: 3 of 1,610,272 alleles (0.00019%); highest among the groups gnomAD compares: Non-Finnish European, 0.00025%; no homozygotes.

Submission:

GeneDx
Classification: Uncertain significance. Last evaluated: 2022-05-09. Review status: criteria provided, single submitter. Criteria: GeneDx Variant Classification Process June 2021. Collection method: clinical testing. Allele origin: germline. Affected: yes.
Comment: Not observed at significant frequency in large population cohorts (gnomAD); In silico analysis supports that this missense variant does not alter protein structure/function; Has not been previously published as pathogenic or benign to our knowledge

NM_024678.6(NARS2):c.241C>G (p.Leu81Val)

Gene: NARS2 (asparaginyl-tRNA synthetase 2, mitochondrial; minus strand). Cytogenetic location: 11q14.1.
Variant type: single nucleotide variant.
Coding change: c.241C>G on transcript NM_024678.6 (MANE Select); coding-DNA position 241, C replaced by G.
Protein change: p.Leu81Val; replaces leucine 81 with valine.
Molecular consequence: missense variant. On other transcripts: 5 prime UTR variant (1).
Genome position (GRCh38, 1-based): chr11:78,571,345, G>C on the plus strand (C>G on the coding strand, the complement: NARS2 is on the minus strand). VCF-style: chr11-78571345-G-C. GRCh37 (hg19) VCF-style: chr11-78282390-G-C.
Other names: c.-441C>G (NM_001243251.2); short protein forms L81V.
Identifiers: ClinVar variation 1683940 (VCV001683940.2), dbSNP rs2135547038, ClinGen allele CA382180401.